The following is an entry in ClinVar:

NM_001367561.1(DOCK7):c.2859+17dup

Gene: DOCK7 (dedicator of cytokinesis 7; minus strand). Cytogenetic location: 1p31.3.
Variant type: Duplication.
Coding change: c.2859+17dup on transcript NM_001367561.1 (MANE Select); 17 bases into the intron after coding-DNA position 2859, one base duplicated (A; older notation c.2859+17dupA).
Molecular consequence: intron variant.
Genome position (GRCh38, 1-based): chr1:62,544,930, T duplicated on the plus strand (A on the coding strand, the reverse complement: DOCK7 is on the minus strand). VCF-style (leftmost placement, unchanged base first): chr1-62544929-C-CT. GRCh37 (hg19) VCF-style: chr1-63010600-C-CT.
Other names: c.2767-1185dupA (NM_033407.4); c.2767-1185dup (NM_001272001.2, NM_001272000.2, NM_033407.4); c.2859+17dup (NM_001271999.2, NM_001330614.2).
Identifiers: ClinVar variation 1598651 (VCV001598651.10), dbSNP rs559908969, ClinGen allele CA886168.

ClinVar aggregate classification (germline): Benign/Likely benign. Review status: criteria provided, multiple submitters, no conflicts (2 of 4 stars). 3 submissions from 3 submitters: Benign (2); Likely benign (1). Last evaluated 2026-05-19.

Conditions:
Developmental and epileptic encephalopathy, 23 (DEE23). Also called: Epileptic encephalopathy, early infantile, 23. Identifiers: Orphanet 411986, MedGen C4014492, MONDO:0014371, OMIM 615859.

Allele frequency attached by ClinVar (database versions not stated): ExAC 0.00043; gnomAD exomes 0.00045 and 0.00084; 1000 Genomes Project 0.00060; gnomAD 0.00064; 1000 Genomes Project 30x 0.00094; TOPMed 0.00119.

Submissions (3):

Women's Health and Genetics/Laboratory Corporation of America, LabCorp
Classification: Benign. Last evaluated: 2026-05-19. Review status: criteria provided, single submitter. Criteria: LabCorp Variant Classification Summary - May 2015. Collection method: clinical testing. Allele origin: germline.
Comment: Variant summary: DOCK7 c.2767-1185dupA (also annotated as c.2859+17dupA in NM_001271999.2) is located at a position not widely known to affect splicing. Consensus agreement among computation tools predict no significant impact on normal splicing. However, these predictions have yet to be confirmed by functional studies. The variant allele was found at a frequency of 0.00084 in 146158 control chromosomes, including 3 homozygotes, and predominantly at a frequency of 0.0027 within the Latino subpopulation in the gnomAD database. The observed variant frequency within Latino control individuals in the gnomAD database exceeds the estimated maximal expected allele frequency for disease-causing variants in DOCK7. To our knowledge, no occurrence of c.2767-1185dupA in individuals affected with DOCK7-related conditions and no experimental evidence demonstrating its impact on protein function have been reported. ClinVar contains an entry for this variant (Variation ID: 1598651). Based on the evidence outlined above, the variant was classified as benign.

Labcorp Genetics (formerly Invitae), Labcorp
Classification: Benign for Developmental and epileptic encephalopathy, 23. Last evaluated: 2026-01-26. Review status: criteria provided, single submitter. Criteria: Invitae Variant Classification Sherloc (09022015). Collection method: clinical testing. Allele origin: germline.

Blueprint Genetics
Classification: Likely benign. Last evaluated: 2024-11-21. Review status: criteria provided, single submitter. Criteria: ACMG Guidelines, 2015. Collection method: clinical testing. Allele origin: germline.